The following is an entry in ClinVar:

ClinVar aggregate classification (germline): Uncertain significance. Review status: criteria provided, multiple submitters, no conflicts (2 of 4 stars). 2 submissions from 2 submitters: Uncertain significance (2). Last evaluated 2025-09-21.

Conditions:
Inborn genetic diseases. Identifiers: MedGen C0950123, MeSH D030342.
Nephronophthisis 9 (NPHP9). Identifiers: Orphanet 655, MedGen C3151188, MONDO:0013444, OMIM 613824.

gnomAD v4.1: 37 of 1,613,034 alleles (0.0023%); highest among the groups gnomAD compares: South Asian, 0.023%; no homozygotes.

Submissions (2):

Labcorp Genetics (formerly Invitae), Labcorp
Classification: Uncertain significance for Nephronophthisis 9. Last evaluated: 2025-09-21. Review status: criteria provided, single submitter. Criteria: Invitae Variant Classification Sherloc (09022015). Collection method: clinical testing. Allele origin: germline.
Comment: This sequence change replaces arginine, which is basic and polar, with tryptophan, which is neutral and slightly polar, at codon 275 of the NEK8 protein (p.Arg275Trp). This variant is present in population databases (rs575340105, gnomAD 0.03%). This variant has not been reported in the literature in individuals affected with NEK8-related conditions. An algorithm developed to predict the effect of missense changes on protein structure and function (PolyPhen-2) suggests that this variant is likely to be disruptive. In summary, the available evidence is currently insufficient to determine the role of this variant in disease. Therefore, it has been classified as a Variant of Uncertain Significance.

Ambry Genetics
Classification: Uncertain significance for Inborn genetic diseases. Last evaluated: 2025-06-18. Review status: criteria provided, single submitter. Criteria: Ambry Variant Classification Scheme 2023. Collection method: clinical testing. Allele origin: germline.

NM_178170.3(NEK8):c.823C>T (p.Arg275Trp)

Gene: NEK8 (NIMA related kinase 8; plus strand). Cytogenetic location: 17q11.2.
Variant type: single nucleotide variant.
Coding change: c.823C>T on transcript NM_178170.3 (MANE Select); coding-DNA position 823, C replaced by T.
Protein change: p.Arg275Trp; replaces arginine 275 with tryptophan.
Molecular consequence: missense variant.
Genome position (GRCh38, 1-based): chr17:28,737,510, C>T. VCF-style: chr17-28737510-C-T. GRCh37 (hg19) VCF-style: chr17-27064528-C-T.
Other names: short protein forms R275W.
Identifiers: ClinVar variation 4118691 (VCV004118691.2).